The following is an entry in ClinVar:

NM_001347886.2(DNAH3):c.1424C>T (p.Ser475Phe)

Gene: DNAH3 (dynein axonemal heavy chain 3; minus strand). Cytogenetic location: 16p12.3.
Variant type: single nucleotide variant.
Coding change: c.1424C>T on transcript NM_001347886.2 (MANE Select); coding-DNA position 1424, C replaced by T.
Protein change: p.Ser475Phe; replaces serine 475 with phenylalanine.
Molecular consequence: missense variant.
Genome position (GRCh38, 1-based): chr16:21,122,018, G>A on the plus strand (C>T on the coding strand, the complement: DNAH3 is on the minus strand). VCF-style: chr16-21122018-G-A. GRCh37 (hg19) VCF-style: chr16-21133339-G-A.
Other names: c.1424C>T, p.Ser475Phe (NM_001394581.1); c.1511C>T, p.Ser504Phe (NM_017539.2); short protein forms S475F, S504F.
Identifiers: ClinVar variation 3024879 (VCV003024879.22), dbSNP rs140516491, ClinGen allele CA7948788.
Genomic context (GRCh38, chr16:21,122,018, plus strand): 5'-TTAGAGTTCTTAATAATTTCCAGGAAAGAGTCACGTATTAATTCCCAGCAGCCATCAAAA[G>A]ATGGATTGAAGACAATAATGGGTTCACTGACTTCAAGTTTGATCATGATTAGCTGAGGTA-3'
Protein context (NP_001334815.1, residues 465-485): VSEPIIVFNP[Ser475Phe]FDGCWELIRD

ClinVar aggregate classification (germline): Likely benign (1 of 4 stars; one submission).

Allele frequency attached by ClinVar (database versions not stated): ESP Exome Variant Server 0.00392; gnomAD 0.00397; 1000 Genomes Project 0.00399; ExAC 0.00399; 1000 Genomes Project 30x 0.00406; TOPMed 0.00441; gnomAD exomes 0.00585.
gnomAD v4.1: 9,123 of 1,613,820 alleles (0.57%); highest among the groups gnomAD compares: Middle Eastern, 0.89%; 35 homozygotes.

Submission:

CeGaT Center for Human Genetics Tuebingen
Classification: Likely benign. Last evaluated: 2025-12-01. Review status: criteria provided, single submitter. Criteria: CeGaT Center For Human Genetics Tuebingen Variant Classification Criteria Version 2. Collection method: clinical testing. Allele origin: germline. Affected: yes. Observed: 3 variant alleles.
Comment: DNAH3: BP4, BS2